The following is an entry in ClinVar:

NM_001330311.2(DVL1):c.1562C>T (p.Thr521Met)

Gene: DVL1 (dishevelled segment polarity protein 1; minus strand). Cytogenetic location: 1p36.33.
Variant type: single nucleotide variant.
Coding change: c.1562C>T on transcript NM_001330311.2 (MANE Select); coding-DNA position 1562, C replaced by T.
Protein change: p.Thr521Met; replaces threonine 521 with methionine.
Molecular consequence: missense variant.
Genome position (GRCh38, 1-based): chr1:1,338,129, G>A on the plus strand (C>T on the coding strand, the complement: DVL1 is on the minus strand). VCF-style: chr1-1338129-G-A. GRCh37 (hg19) VCF-style: chr1-1273509-G-A.
Other names: c.1487C>T, p.Thr496Met (NM_004421.3); short protein forms T521M, T496M.
Identifiers: ClinVar variation 2203990 (VCV002203990.5), dbSNP rs756494911, ClinGen allele CA520004.

ClinVar aggregate classification (germline): Uncertain significance. Review status: criteria provided, multiple submitters, no conflicts (2 of 4 stars). 2 submissions from 2 submitters: Uncertain significance (2). Last evaluated 2023-06-25.

Conditions:
Inborn genetic diseases. Identifiers: MedGen C0950123, MeSH D030342.

Allele frequency attached by ClinVar (database versions not stated): gnomAD exomes 0.00001; ExAC 0.00003.
gnomAD v4.1: 12 of 1,609,350 alleles (0.00075%); highest among the groups gnomAD compares: African/African-American, 0.0027%; no homozygotes.

Submissions (2):

Labcorp Genetics (formerly Invitae), Labcorp
Classification: Uncertain significance. Last evaluated: 2023-06-25. Review status: criteria provided, single submitter. Criteria: Invitae Variant Classification Sherloc (09022015). Collection method: clinical testing. Allele origin: germline.
Comment: This sequence change replaces threonine, which is neutral and polar, with methionine, which is neutral and non-polar, at codon 496 of the DVL1 protein (p.Thr496Met). This variant is present in population databases (rs756494911, gnomAD 0.007%). This variant has not been reported in the literature in individuals affected with DVL1-related conditions. ClinVar contains an entry for this variant (Variation ID: 2203990). Advanced modeling of protein sequence and biophysical properties (such as structural, functional, and spatial information, amino acid conservation, physicochemical variation, residue mobility, and thermodynamic stability) performed at Invitae indicates that this missense variant is not expected to disrupt DVL1 protein function. In summary, the available evidence is currently insufficient to determine the role of this variant in disease. Therefore, it has been classified as a Variant of Uncertain Significance.

Ambry Genetics
Classification: Uncertain significance for Inborn genetic diseases. Last evaluated: 2021-06-11. Review status: criteria provided, single submitter. Criteria: Ambry Variant Classification Scheme 2023. Collection method: clinical testing. Allele origin: germline.